The following is an entry in ClinVar:

ClinVar aggregate classification (germline): Uncertain significance. Review status: criteria provided, multiple submitters, no conflicts (2 of 4 stars). 2 submissions from 2 submitters: Uncertain significance (2). Last evaluated 2024-06-09.

Conditions:
Hypertrophic cardiomyopathy. Also called: HYPERTROPHIC MYOCARDIOPATHY. Identifiers: Orphanet 217569, MedGen C0007194, MeSH D002312, MONDO:0005045, HP:0001639.
Cardiomyopathy (CMYO). Also called: Cardiomyopathies. Identifiers: Orphanet 167848, MedGen C0878544, MONDO:0004994, HP:0001638. Inheritance: Various modes of inheritance.

Submissions (2):

All of Us Research Program, National Institutes of Health
Classification: Uncertain significance for Hypertrophic cardiomyopathy. Last evaluated: 2024-06-09. Review status: criteria provided, single submitter. Criteria: ACMG Guidelines, 2015. Collection method: clinical testing. Allele origin: germline. Inheritance: Autosomal dominant inheritance. Observed: 1 variant allele, 1 heterozygote.
Comment: This missense variant replaces glycine with aspartic acid at codon 378 of the MYBPC3 protein. Computational prediction suggests that this variant may have deleterious impact on protein structure and function (internally defined REVEL score threshold >= 0.7, PMID: 27666373). To our knowledge, functional studies have not been reported for this variant. This variant has not been reported in individuals affected with MYBPC3-related disorders in the literature. This variant has not been identified in the general population by the Genome Aggregation Database (gnomAD). The available evidence is insufficient to determine the role of this variant in disease conclusively. Therefore, this variant is classified as a Variant of Uncertain Significance.

This study involves interpretation of variants in research participants for the purpose of population health screening. Participant phenotype was not available at the time of variant classification. Additional details can be found in publication PMID: 35346344, PMCID: PMC8962531

Color Diagnostics, LLC DBA Color Health
Classification: Uncertain significance for Cardiomyopathy. Last evaluated: 2024-05-21. Review status: criteria provided, single submitter. Criteria: ACMG Guidelines, 2015. Collection method: clinical testing. Allele origin: germline.
Comment: This missense variant replaces glycine with aspartic acid at codon 378 of the MYBPC3 protein. Computational prediction suggests that this variant may have deleterious impact on protein structure and function. To our knowledge, functional studies have not been reported for this variant. This variant has not been reported in individuals affected with MYBPC3-related disorders in the literature. This variant has not been identified in the general population by the Genome Aggregation Database (gnomAD). The available evidence is insufficient to determine the role of this variant in disease conclusively. Therefore, this variant is classified as a Variant of Uncertain Significance.

NM_000256.3(MYBPC3):c.1133G>A (p.Gly378Asp)

Gene: MYBPC3 (myosin binding protein C3; minus strand). Cytogenetic location: 11p11.2.
Variant type: single nucleotide variant.
Coding change: c.1133G>A on transcript NM_000256.3 (MANE Select); coding-DNA position 1133, G replaced by A.
Protein change: p.Gly378Asp; replaces glycine 378 with aspartic acid.
Molecular consequence: missense variant.
Genome position (GRCh38, 1-based): chr11:47,343,582, C>T on the plus strand (G>A on the coding strand, the complement: MYBPC3 is on the minus strand). VCF-style: chr11-47343582-C-T. GRCh37 (hg19) VCF-style: chr11-47365133-C-T.
Other names: short protein forms G378D.
Identifiers: ClinVar variation 3387135 (VCV003387135.2).